The following is an entry in ClinVar:

NM_020964.3(EPG5):c.2881G>A (p.Glu961Lys)

Gene: EPG5 (ectopic P-granules 5 autophagy tethering factor; minus strand). Cytogenetic location: 18q21.1.
Variant type: single nucleotide variant.
Coding change: c.2881G>A on transcript NM_020964.3 (MANE Select); coding-DNA position 2881, G replaced by A.
Protein change: p.Glu961Lys; replaces glutamic acid 961 with lysine.
Molecular consequence: missense variant.
Genome position (GRCh38, 1-based): chr18:45,922,558, C>T on the plus strand (G>A on the coding strand, the complement: EPG5 is on the minus strand). VCF-style: chr18-45922558-C-T. GRCh37 (hg19) VCF-style: chr18-43502524-C-T.
Other names: short protein forms E961K.
Identifiers: ClinVar variation 1003098 (VCV001003098.9), dbSNP rs200744548, ClinGen allele CA8949306.

ClinVar aggregate classification (germline): Uncertain significance. Review status: criteria provided, multiple submitters, no conflicts (2 of 4 stars). 3 submissions from 3 submitters: Uncertain significance (3). Last evaluated 2025-11-25.

Conditions:
Vici syndrome (VICIS). Identifiers: Orphanet 1493, MedGen C1855772, MONDO:0009452, OMIM 242840.
Inborn genetic diseases. Identifiers: MedGen C0950123, MeSH D030342.

Allele frequency attached by ClinVar (database versions not stated): gnomAD exomes 0.00006; ExAC 0.00008; gnomAD 0.00017 and 0.00018; 1000 Genomes Project 0.00020; TOPMed 0.00022; ESP Exome Variant Server 0.00025; 1000 Genomes Project 30x 0.00031.
gnomAD v4.1: 72 of 1,614,188 alleles (0.0045%); highest among the groups gnomAD compares: African/African-American, 0.081%; no homozygotes.

Submissions (3):

Labcorp Genetics (formerly Invitae), Labcorp
Classification: Uncertain significance for Vici syndrome. Last evaluated: 2025-11-25. Review status: criteria provided, single submitter. Criteria: Invitae Variant Classification Sherloc (09022015). Collection method: clinical testing. Allele origin: germline.
Comment: This sequence change replaces glutamic acid, which is acidic and polar, with lysine, which is basic and polar, at codon 961 of the EPG5 protein (p.Glu961Lys). This variant is present in population databases (rs200744548, gnomAD 0.05%). This variant has not been reported in the literature in individuals affected with EPG5-related conditions. ClinVar contains an entry for this variant (Variation ID: 1003098). Invitae Evidence Modeling of protein sequence and biophysical properties (such as structural, functional, and spatial information, amino acid conservation, physicochemical variation, residue mobility, and thermodynamic stability) indicates that this missense variant is expected to disrupt EPG5 protein function with a positive predictive value of 80%. In summary, the available evidence is currently insufficient to determine the role of this variant in disease. Therefore, it has been classified as a Variant of Uncertain Significance.

GeneDx
Classification: Uncertain significance. Last evaluated: 2024-08-19. Review status: criteria provided, single submitter. Criteria: GeneDx Variant Classification Process June 2021. Collection method: clinical testing. Allele origin: germline. Affected: yes.
Comment: In silico analysis indicates that this missense variant does not alter protein structure/function; Has not been previously published as pathogenic or benign to our knowledge

Ambry Genetics
Classification: Uncertain significance for Inborn genetic diseases. Last evaluated: 2021-07-20. Review status: criteria provided, single submitter. Criteria: Ambry Variant Classification Scheme 2023. Collection method: clinical testing. Allele origin: germline.